The following is an entry in ClinVar:

ClinVar aggregate classification (germline): Uncertain significance (1 of 4 stars; one submission).

gnomAD v4.1: 4 of 1,542,314 alleles (0.00026%); highest among the groups gnomAD compares: South Asian, 0.0035%; no homozygotes.

Submission:

GeneDx
Classification: Uncertain significance. Last evaluated: 2024-08-21. Review status: criteria provided, single submitter. Criteria: GeneDx Variant Classification Process June 2021. Collection method: clinical testing. Allele origin: germline. Affected: yes.
Comment: In silico analysis indicates that this missense variant does not alter protein structure/function; Has not been previously published as pathogenic or benign to our knowledge

NM_002047.4(GARS1):c.176G>A (p.Gly59Glu)

Gene: GARS1 (glycyl-tRNA synthetase 1; plus strand). Cytogenetic location: 7p14.3.
Variant type: single nucleotide variant.
Coding change: c.176G>A on transcript NM_002047.4 (MANE Select); coding-DNA position 176, G replaced by A.
Protein change: p.Gly59Glu; replaces glycine 59 with glutamic acid.
Molecular consequence: missense variant.
Genome position (GRCh38, 1-based): chr7:30,595,097, G>A. VCF-style: chr7-30595097-G-A. GRCh37 (hg19) VCF-style: chr7-30634713-G-A.
Other names: c.14G>A, p.Gly5Glu (NM_001316772.1); short protein forms G59E, G5E.
Identifiers: ClinVar variation 3764429 (VCV003764429.1).